The following is an entry in ClinVar:

NM_000553.6(WRN):c.2947A>G (p.Ile983Val)

Gene: WRN (WRN RecQ like helicase; plus strand). Cytogenetic location: 8p12.
Variant type: single nucleotide variant.
Coding change: c.2947A>G on transcript NM_000553.6 (MANE Select); coding-DNA position 2947, A replaced by G.
Protein change: p.Ile983Val; replaces isoleucine 983 with valine.
Molecular consequence: missense variant.
Genome position (GRCh38, 1-based): chr8:31,132,486, A>G. VCF-style: chr8-31132486-A-G. GRCh37 (hg19) VCF-style: chr8-30990002-A-G.
Other names: short protein forms I983V.
Identifiers: ClinVar variation 404052 (VCV000404052.7), dbSNP rs532588948, ClinGen allele CA4704887.

ClinVar aggregate classification (germline): Uncertain significance. Review status: criteria provided, multiple submitters, no conflicts (2 of 4 stars). 2 submissions from 2 submitters: Uncertain significance (2). Last evaluated 2025-03-31.

Conditions:
WRN-related disorder. Also called: WRN-related condition.
Werner syndrome (WRN). Identifiers: Orphanet 902, MedGen C0043119, MONDO:0010196, OMIM 277700.

Allele frequency attached by ClinVar (database versions not stated): gnomAD exomes 0.00001 and 0.00006; TOPMed 0.00001; ExAC 0.00002; gnomAD 0.00002 and 0.00003; 1000 Genomes Project 30x 0.00016; 1000 Genomes Project 0.00020.
gnomAD v4.1: 93 of 1,614,106 alleles (0.0058%); highest among the groups gnomAD compares: Non-Finnish European, 0.0077%; 1 homozygote.

Submissions (2):

Labcorp Genetics (formerly Invitae), Labcorp
Classification: Uncertain significance for Werner syndrome. Last evaluated: 2025-03-31. Review status: criteria provided, single submitter. Criteria: Invitae Variant Classification Sherloc (09022015). Collection method: clinical testing. Allele origin: germline.
Comment: This sequence change replaces isoleucine, which is neutral and non-polar, with valine, which is neutral and non-polar, at codon 983 of the WRN protein (p.Ile983Val). This variant is present in population databases (rs532588948, gnomAD 0.007%). This variant has not been reported in the literature in individuals affected with WRN-related conditions. ClinVar contains an entry for this variant (Variation ID: 404052). An algorithm developed to predict the effect of missense changes on protein structure and function outputs the following: PolyPhen-2: "Benign". The valine amino acid residue is found in multiple mammalian species, which suggests that this missense change does not adversely affect protein function. In summary, the available evidence is currently insufficient to determine the role of this variant in disease. Therefore, it has been classified as a Variant of Uncertain Significance.

PreventionGenetics, part of Exact Sciences
Classification: Uncertain significance for WRN-related condition. Last evaluated: 2025-02-13. Review status: criteria provided, single submitter. Criteria: ACMG Guidelines, 2015. Collection method: clinical testing. Allele origin: germline.
Comment: The WRN c.2947A>G variant is predicted to result in the amino acid substitution p.Ile983Val. To our knowledge, this variant has not been reported in the literature. This variant is reported in 0.0062% of alleles in individuals of African descent in gnomAD. At this time, the clinical significance of this variant is uncertain due to the absence of conclusive functional and genetic evidence.